The following is an entry in ClinVar:

NM_001267550.2(TTN):c.19158A>C (p.Gln6386His)

Gene: TTN (titin; minus strand). Cytogenetic location: 2q31.2.
Variant type: single nucleotide variant.
Coding change: c.19158A>C on transcript NM_001267550.2 (MANE Select); coding-DNA position 19158, A replaced by C.
Protein change: p.Gln6386His; replaces glutamine 6386 with histidine.
Molecular consequence: missense variant. On other transcripts: intron variant (3).
Genome position (GRCh38, 1-based): chr2:178,728,768, T>G on the plus strand (A>C on the coding strand, the complement: TTN is on the minus strand). VCF-style: chr2-178728768-T-G. GRCh37 (hg19) VCF-style: chr2-179593495-T-G.
Other names: c.18207A>C, p.Gln6069His (NM_001256850.1); c.15426A>C, p.Gln5142His (NM_133378.4); c.13282+9314A>C (NM_003319.4); c.13858+9314A>C (NM_133437.4); c.13657+9314A>C (NM_133432.3); short protein forms Q5142H, Q6069H, Q6386H.
Identifiers: ClinVar variation 3369299 (VCV003369299.1).

ClinVar aggregate classification (germline): Uncertain significance (1 of 4 stars; one submission).

gnomAD v4.1: 1 of 1,599,554 alleles (0.000063%); highest among the groups gnomAD compares: Admixed American, 0.0017%; no homozygotes.

Submission:

GeneDx
Classification: Uncertain significance. Last evaluated: 2024-02-18. Review status: criteria provided, single submitter. Criteria: GeneDx Variant Classification Process June 2021. Collection method: clinical testing. Allele origin: germline. Affected: yes.
Comment: Not observed at significant frequency in large population cohorts (gnomAD); Missense variant in a gene in which most reported pathogenic variants are truncating/loss of function; Has not been previously published as pathogenic or benign to our knowledge; This variant is associated with the following publications: (PMID: 23975875)